The following is an entry in ClinVar:

ClinVar aggregate classification (germline): Likely benign (1 of 4 stars; one submission).

Submission:

CeGaT Center for Human Genetics Tuebingen
Classification: Likely benign. Last evaluated: 2025-03-01. Review status: criteria provided, single submitter. Criteria: CeGaT Center For Human Genetics Tuebingen Variant Classification Criteria Version 2. Collection method: clinical testing. Allele origin: germline. Affected: yes. Observed: 1 variant allele.
Comment: PANK2: PM2:Supporting, BP4, BP7

NM_153638.4(PANK2):c.126G>C (p.Pro42=)

Gene: PANK2 (pantothenate kinase 2; plus strand). Cytogenetic location: 20p13.
Variant type: single nucleotide variant.
Coding change: c.126G>C on transcript NM_153638.4; coding-DNA position 126, G replaced by C.
Protein change: p.Pro42=; no amino-acid change (proline 42 retained).
Molecular consequence: synonymous variant. On other transcripts: intron variant (1).
Genome position (GRCh38, 1-based): chr20:3,889,226, G>C. VCF-style: chr20-3889226-G-C. GRCh37 (hg19) VCF-style: chr20-3869873-G-C.
Other names: c.126G>C, p.Pro42= (NM_001324192.1); c.-246+322G>C (NM_024960.6).
Identifiers: ClinVar variation 3778357 (VCV003778357.7).